The following is an entry in ClinVar:

NM_017514.5(PLXNA3):c.3586-7C>T

Gene: PLXNA3 (plexin A3; plus strand). Cytogenetic location: Xq28.
Variant type: single nucleotide variant.
Coding change: c.3586-7C>T on transcript NM_017514.5 (MANE Select); 7 bases into the intron before coding-DNA position 3586, C replaced by T.
Molecular consequence: intron variant.
Genome position (GRCh38, 1-based): chrX:154,467,760, C>T. VCF-style: chrX-154467760-C-T. GRCh37 (hg19) VCF-style: chrX-153696103-C-T.
Identifiers: ClinVar variation 4987072 (VCV004987072.1).

ClinVar aggregate classification (germline): Likely benign (1 of 4 stars; one submission).

Conditions:
PLXNA3-related disorder. Also called: PLXNA3-related condition.

gnomAD v4.1: 3 of 1,198,084 alleles (0.00025%); highest among the groups gnomAD compares: African/African-American, 0.0018%; no homozygotes.

Submission:

PreventionGenetics, part of Exact Sciences
Classification: Likely benign for PLXNA3-related condition. Last evaluated: 2025-11-06. Review status: criteria provided, single submitter. Criteria: ACMG Guidelines, 2015. Collection method: clinical testing. Allele origin: germline.
Comment: This variant is classified as likely benign based on ACMG/AMP sequence variant interpretation guidelines (Richards et al. 2015 PMID: 25741868, with internal and published modifications).